The following is an entry in ClinVar:

ClinVar aggregate classification (germline): Pathogenic (1 of 4 stars; one submission).

Conditions:
Skraban-Deardorff syndrome. Also called: INTELLECTUAL DISABILITY WITH SEIZURES, ABNORMAL GAIT, AND DISTINCTIVE FACIAL FEATURES; WDR26-Related Intellectual Disability. Identifiers: Orphanet 513456, MedGen C4539927, MONDO:0054636, OMIM 617616.

Submission:

Centre for Mendelian Genomics, University Medical Centre Ljubljana
Classification: Pathogenic for Skraban-Deardorff syndrome. Last evaluated: 2018-12-11. Review status: criteria provided, single submitter. Criteria: ACMG Guidelines, 2015. Collection method: clinical testing. Allele origin: unknown. Affected: yes.
Comment: This variant was classified as: Pathogenic. The following ACMG criteria were applied in classifying this variant: PVS1,PS2,PM2,PP3.

NM_001379403.1(WDR26):c.1458+1G>A

Gene: WDR26 (WD repeat domain 26; minus strand). Cytogenetic location: 1q42.12.
Variant type: single nucleotide variant.
Coding change: c.1458+1G>A on transcript NM_001379403.1 (MANE Select); the canonical splice donor site of the intron after coding-DNA position 1458, G replaced by A.
Molecular consequence: splice donor variant.
Genome position (GRCh38, 1-based): chr1:224,411,426, C>T on the plus strand (G>A on the coding strand, the complement: WDR26 is on the minus strand). VCF-style: chr1-224411426-C-T. GRCh37 (hg19) VCF-style: chr1-224599128-C-T.
Other names: c.1110+1G>A (NM_001115113.3); c.1158+1G>A (NM_025160.7).
Identifiers: ClinVar variation 930867 (VCV000930867.3), dbSNP rs1673733539, ClinGen allele CA344749180.